The following is an entry in ClinVar:

NM_007194.4(CHEK2):c.1530G>C (p.Gln510His)

Gene: CHEK2 (checkpoint kinase 2; minus strand). Cytogenetic location: 22q12.1.
Variant type: single nucleotide variant.
Coding change: c.1530G>C on transcript NM_007194.4 (MANE Select); coding-DNA position 1530, G replaced by C.
Protein change: p.Gln510His; replaces glutamine 510 with histidine.
Molecular consequence: missense variant.
Genome position (GRCh38, 1-based): chr22:28,689,147, C>G on the plus strand (G>C on the coding strand, the complement: CHEK2 is on the minus strand). VCF-style: chr22-28689147-C-G. GRCh37 (hg19) VCF-style: chr22-29085135-C-G.
Other names: c.1659G>C, p.Gln553His (NM_001005735.3); c.867G>C, p.Gln289His (NM_001257387.3); c.1329G>C, p.Gln443His (NM_001349956.3); c.1443G>C, p.Gln481His (NM_145862.3); short protein forms Q510H, Q443H, Q289H, Q553H, Q481H.
Identifiers: ClinVar variation 628613 (VCV000628613.16), dbSNP rs1569104011, ClinGen allele CA411092325.

ClinVar aggregate classification (germline): Conflicting classifications of pathogenicity. Review status: criteria provided, conflicting classifications (1 of 4 stars). 4 submissions from 4 submitters: Uncertain significance (2); Likely benign (1). 1 of the submissions does not count toward it. Last evaluated 2024-10-30.

Conditions:
Hereditary cancer-predisposing syndrome. Also called: Neoplastic Syndromes, Hereditary; Tumor predisposition; Hereditary neoplastic syndrome; Hereditary Cancer Syndrome. Identifiers: Orphanet 140162, MedGen C0027672, MeSH D009386, MONDO:0015356.
Familial cancer of breast. Also called: BREAST CANCER, FAMILIAL; Hereditary breast cancer; hereditary breast carcinoma. Identifiers: Orphanet 227535, MedGen C0346153, MONDO:0016419, OMIM 114480. Disease mechanism: loss of function.
Malignant tumor of breast. Also called: Malignant breast neoplasm; Cancer breast. Identifiers: MedGen C0006142, MONDO:0007254. Disease mechanism: loss of function.

Submissions (4):

Ambry Genetics
Classification: Likely benign for Hereditary cancer-predisposing syndrome. Last evaluated: 2024-10-30. Review status: criteria provided, single submitter. Criteria: Ambry Variant Classification Scheme 2023. Collection method: clinical testing. Allele origin: germline.

Labcorp Genetics (formerly Invitae), Labcorp
Classification: Uncertain significance for Familial cancer of breast. Last evaluated: 2022-09-02. Review status: criteria provided, single submitter. Criteria: Invitae Variant Classification Sherloc (09022015). Collection method: clinical testing. Allele origin: germline.
Comment: This sequence change replaces glutamine, which is neutral and polar, with histidine, which is basic and polar, at codon 510 of the CHEK2 protein (p.Gln510His). This variant is not present in population databases (gnomAD no frequency). This variant has not been reported in the literature in individuals affected with CHEK2-related conditions. ClinVar contains an entry for this variant (Variation ID: 628613). Algorithms developed to predict the effect of missense changes on protein structure and function output the following: SIFT: "Tolerated"; PolyPhen-2: "Benign"; Align-GVGD: "Class C0". The histidine amino acid residue is found in multiple mammalian species, which suggests that this missense change does not adversely affect protein function. Algorithms developed to predict the effect of sequence changes on RNA splicing suggest that this variant may disrupt the consensus splice site. In summary, the available evidence is currently insufficient to determine the role of this variant in disease. Therefore, it has been classified as a Variant of Uncertain Significance.

Color Diagnostics, LLC DBA Color Health
Classification: Uncertain significance for Hereditary cancer-predisposing syndrome. Last evaluated: 2019-03-05. Review status: criteria provided, single submitter. Criteria: ACMG Guidelines, 2015. Collection method: clinical testing. Allele origin: germline.

Department of Pathology and Laboratory Medicine, Sinai Health System
Classification: Uncertain significance for Malignant tumor of breast. Review status: no assertion criteria provided. Collection method: clinical testing. Allele origin: unknown. Affected: yes. Observed: 1 variant allele. Study: The Canadian Open Genetics Repository (COGR). Not counted in ClinVar's aggregate classification.
Comment: The CHEK2 p.Gln510His variant was not identified in the literature nor was it identified in the dbSNP, ClinVar, Cosmic, MutDB, or Zhejiang University databases. The variant was not identified in the following control databases: the 1000 Genomes Project, the NHLBI GO Exome Sequencing Project, the Exome Aggregation Consortium (August 8th 2016), or the Genome Aggregation Database (Feb 27, 2017). The p.Gln510 residue is not conserved in mammals and computational analyses (PolyPhen-2, SIFT, AlignGVGD, BLOSUM, MutationTaster) do not suggest a high likelihood of impact to the protein; however, this information is not predictive enough to rule out pathogenicity. The variant occurs outside of the splicing consensus sequence and 2 of 4 in silico or computational prediction software programs (SpliceSiteFinder, MaxEntScan, NNSPLICE, GeneSplicer) predict a greater than 10% difference in splicing; this is not very predictive of pathogenicity. In summary, based on the above information the clinical significance of this variant cannot be determined with certainty at this time. This variant is classified as a variant of uncertain significance.

Literature cited by the submitters: PubMed 32885271 (cited by Ambry Genetics); PubMed 34326862 (cited by Ambry Genetics); PubMed 37449874 (cited by Ambry Genetics).